The following is an entry in ClinVar:

NM_015346.4(ZFYVE26):c.592C>T (p.Arg198Ter)

Gene: ZFYVE26 (zinc finger FYVE-type containing 26; minus strand). Cytogenetic location: 14q24.1.
Variant type: single nucleotide variant.
Coding change: c.592C>T on transcript NM_015346.4 (MANE Select); coding-DNA position 592, C replaced by T.
Protein change: p.Arg198Ter; replaces arginine 198 with a stop codon.
Molecular consequence: nonsense.
Genome position (GRCh38, 1-based): chr14:67,807,692, G>A on the plus strand (C>T on the coding strand, the complement: ZFYVE26 is on the minus strand). VCF-style: chr14-67807692-G-A. GRCh37 (hg19) VCF-style: chr14-68274409-G-A.
Other names: short protein forms R198*.
Identifiers: ClinVar variation 556397 (VCV000556397.12), dbSNP rs200832994, ClinGen allele CA7240764.

ClinVar aggregate classification (germline): Pathogenic/Likely pathogenic. Review status: criteria provided, multiple submitters, no conflicts (2 of 4 stars). 4 submissions from 4 submitters: Pathogenic (2); Likely pathogenic (1). 1 of the submissions does not count toward it. Last evaluated 2025-06-17.

Conditions:
Hereditary spastic paraplegia 15 (SPG15). Also called: SPASTIC PARAPLEGIA 15, AUTOSOMAL RECESSIVE; KJELLIN SYNDROME; SPASTIC PARAPLEGIA AND RETINAL DEGENERATION. Identifiers: Orphanet 100996, MedGen C1849128, MONDO:0010044, OMIM 270700.
Inborn genetic diseases. Identifiers: MedGen C0950123, MeSH D030342.
Spastic paraplegia. Identifiers: MedGen C0037772, HP:0001258.

Allele frequency attached by ClinVar (database versions not stated): gnomAD exomes below 0.00001 and 0.00001; ExAC 0.00001; gnomAD 0.00001 and 0.00002; TOPMed 0.00003; ESP Exome Variant Server 0.00008.
gnomAD v4.1: 7 of 1,614,036 alleles (0.00043%); highest among the groups gnomAD compares: African/African-American, 0.0027%; no homozygotes.

Submissions (4):

Labcorp Genetics (formerly Invitae), Labcorp
Classification: Pathogenic for Spastic paraplegia. Last evaluated: 2025-06-17. Review status: criteria provided, single submitter. Criteria: Invitae Variant Classification Sherloc (09022015). Collection method: clinical testing. Allele origin: germline.
Comment: This sequence change creates a premature translational stop signal (p.Arg198*) in the ZFYVE26 gene. It is expected to result in an absent or disrupted protein product. Loss-of-function variants in ZFYVE26 are known to be pathogenic (PMID: 18394578, 19805727). This variant is present in population databases (rs200832994, gnomAD 0.008%). This premature translational stop signal has been observed in individual(s) with hereditary spastic paraplegia (PMID: 19917823). ClinVar contains an entry for this variant (Variation ID: 556397). For these reasons, this variant has been classified as Pathogenic.

Neuberg Centre For Genomic Medicine, NCGM
Classification: Likely pathogenic for Hereditary spastic paraplegia 15. Last evaluated: 2023-02-14. Review status: criteria provided, single submitter. Criteria: ACMG Guidelines, 2015. Collection method: clinical testing. Allele origin: germline. Inheritance: Autosomal recessive inheritance. Affected: yes.
Comment: The stop gain c.592C>T (p.Arg198Ter) variant in ZFYVE26 has been reported previously in compound heterozygous in an individual affected with hereditary spastic paraplegia (Schüle et al. 2009). The c.592C>T variant is reported with an allele frequency of 0.0008% (2/251144) in the gnomAD exomes database and is novel (not in any individuals) in 1000 Genomes database. This variant has been reported to the ClinVar database as Pathogenic / Likely Pathogenic. The nucleotide change c.592C>T in ZFYVE26 is predicted as conserved by GERP++ and PhyloP across 100 vertebrates. This variant is predicted to cause loss of normal protein function through protein truncation. Loss of function variants have been previously reported to be disease causing. Additional studies will be required to prove the pathogenicity of this variant. For these reasons, this variant has been classified as Likely Pathogenic.

Ambry Genetics
Classification: Pathogenic for Inborn genetic diseases. Last evaluated: 2021-06-17. Review status: criteria provided, single submitter. Criteria: Ambry Variant Classification Scheme 2023. Collection method: clinical testing. Allele origin: germline.
Comment: The c.592C>T (p.R198*) alteration, located in exon 5 (coding exon 4) of the ZFYVE26 gene, consists of a C to T substitution at nucleotide position 592. This changes the amino acid from an arginine (R) to a stop codon at amino acid position 198. This alteration is expected to result in loss of function by premature protein truncation or nonsense-mediated mRNA decay. Based on data from the Genome Aggregation Database (gnomAD) database, the ZFYVE26 c.592C>T alteration was observed in <0.01% (3/282528) of total alleles studied, with a frequency of 0.01% (2/25098) in the European (Finnish) subpopulation. This alteration was confirmed in trans with another ZFYVE26 alteration in a patient with hereditary spastic paraplegia (Sch&uuml;le, 2009). Based on the available evidence, this alteration is classified as pathogenic.

Counsyl
Classification: Likely pathogenic for Hereditary spastic paraplegia 15. Last evaluated: 2018-01-30. Review status: no assertion criteria provided. Collection method: clinical testing. Allele origin: unknown. Not counted in ClinVar's aggregate classification.

Literature cited by the submitters: PubMed 18394578 (cited by Labcorp Genetics (formerly Invitae), Labcorp); PubMed 19805727 (cited by Labcorp Genetics (formerly Invitae), Labcorp); PubMed 19917823 (cited by 3 submitters).